The following is an entry in ClinVar:

NM_017570.5(OPLAH):c.2270A>T (p.Gln757Leu)

Gene: OPLAH (5-oxoprolinase, ATP-hydrolysing; minus strand). Cytogenetic location: 8q24.3.
Variant type: single nucleotide variant.
Coding change: c.2270A>T on transcript NM_017570.5 (MANE Select); coding-DNA position 2270, A replaced by T.
Protein change: p.Gln757Leu; replaces glutamine 757 with leucine.
Molecular consequence: missense variant.
Genome position (GRCh38, 1-based): chr8:144,055,168, T>A on the plus strand (A>T on the coding strand, the complement: OPLAH is on the minus strand). VCF-style: chr8-144055168-T-A. GRCh37 (hg19) VCF-style: chr8-145110071-T-A.
Other names: short protein forms Q757L.
Identifiers: ClinVar variation 4734480 (VCV004734480.1).

ClinVar aggregate classification (germline): Uncertain significance (1 of 4 stars; one submission).

Conditions:
5-Oxoprolinase deficiency (OPLAHD). Also called: 5-OXOPROLINURIA DUE TO 5-OXOPROLINASE DEFICIENCY. Identifiers: Orphanet 33572, MedGen C0268525, MONDO:0009825, OMIM 260005, HP:0040142.

gnomAD v4.1: 3 of 1,554,408 alleles (0.00019%); highest among the groups gnomAD compares: Admixed American, 0.0059%; no homozygotes.

Submission:

Labcorp Genetics (formerly Invitae), Labcorp
Classification: Uncertain significance for 5-Oxoprolinase deficiency. Last evaluated: 2025-12-22. Review status: criteria provided, single submitter. Criteria: Invitae Variant Classification Sherloc (09022015). Collection method: clinical testing. Allele origin: germline.
Comment: This sequence change replaces glutamine, which is neutral and polar, with leucine, which is neutral and non-polar, at codon 757 of the OPLAH protein (p.Gln757Leu). This variant is present in population databases (rs576430435, gnomAD 0.01%). This variant has not been reported in the literature in individuals affected with OPLAH-related conditions. An algorithm developed to predict the effect of missense changes on protein structure and function (PolyPhen-2) suggests that this variant is likely to be disruptive. In summary, the available evidence is currently insufficient to determine the role of this variant in disease. Therefore, it has been classified as a Variant of Uncertain Significance.